The following is an entry in ClinVar:

NM_005445.4(SMC3):c.2087T>C (p.Leu696Pro)

Gene: SMC3 (structural maintenance of chromosomes 3; plus strand). Cytogenetic location: 10q25.2.
Variant type: single nucleotide variant.
Coding change: c.2087T>C on transcript NM_005445.4 (MANE Select); coding-DNA position 2087, T replaced by C.
Protein change: p.Leu696Pro; replaces leucine 696 with proline.
Molecular consequence: missense variant.
Genome position (GRCh38, 1-based): chr10:110,596,521, T>C. VCF-style: chr10-110596521-T-C. GRCh37 (hg19) VCF-style: chr10-112356279-T-C.
Other names: short protein forms L696P.
Identifiers: ClinVar variation 4086482 (VCV004086482.1).

ClinVar aggregate classification (germline): Pathogenic (1 of 4 stars; one submission).

Submission:

GeneDx
Classification: Pathogenic. Last evaluated: 2025-03-19. Review status: criteria provided, single submitter. Criteria: GeneDx Variant Classification Process June 2021. Collection method: clinical testing. Allele origin: germline. Affected: yes.
Comment: Not observed at significant frequency in large population cohorts (gnomAD); In silico analysis supports that this missense variant has a deleterious effect on protein structure/function; Has not been previously published as pathogenic or benign to our knowledge